The following is an entry in ClinVar:

ClinVar aggregate classification (germline): Uncertain significance (1 of 4 stars; one submission).

Conditions:
Hereditary cancer-predisposing syndrome. Also called: Neoplastic Syndromes, Hereditary; Tumor predisposition; Hereditary neoplastic syndrome; Hereditary Cancer Syndrome. Identifiers: Orphanet 140162, MedGen C0027672, MeSH D009386, MONDO:0015356.

Submission:

Ambry Genetics
Classification: Uncertain significance for Hereditary cancer-predisposing syndrome. Last evaluated: 2025-12-24. Review status: criteria provided, single submitter. Criteria: Ambry Variant Classification Scheme 2023. Collection method: clinical testing. Allele origin: germline.
Comment: The p.L121Q variant (also known as c.362T>A), located in coding exon 2 of the CDKN2A gene, results from a T to A substitution at nucleotide position 362. The leucine at codon 121 is replaced by glutamine, an amino acid with dissimilar properties. Of note, this alteration is also known as c.*6T>Ain the p14(ARF) isoform. The evidence supporting a relationship between p14(ARF) and melanoma-pancreatic cancer syndrome is limited; therefore, the association of this variant with this gene-disease relationship is unknown. However, the association of this variant in the p16 isoform with melanoma-pancreatic cancer syndrome is unlikely. Based on the available evidence, the clinical significance of this variant remains unclear.

NM_000077.5(CDKN2A):c.362T>A (p.Leu121Gln)

Gene: CDKN2A (cyclin dependent kinase inhibitor 2A; minus strand). Cytogenetic location: 9p21.3.
Variant type: single nucleotide variant.
Coding change: c.362T>A on transcript NM_000077.5; coding-DNA position 362, T replaced by A.
Protein change: p.Leu121Gln; replaces leucine 121 with glutamine.
Molecular consequence: missense variant (on NM_000077.6). On other transcripts: 3 prime UTR variant (2).
Genome position (GRCh38, 1-based): chr9:21,970,997, A>T on the plus strand (T>A on the coding strand, the complement: CDKN2A is on the minus strand). VCF-style: chr9-21970997-A-T. GRCh37 (hg19) VCF-style: chr9-21970996-A-T.
Other names: c.362T>A, p.Leu121Gln (NM_000077.6, NM_001195132.2); c.209T>A, p.Leu70Gln (NM_001363763.2); c.*6T>A (NM_058195.4); c.*285T>A (NM_058197.5); short protein forms L70Q, L121Q.
Identifiers: ClinVar variation 4841942 (VCV004841942.1).
Genomic context (GRCh38, chr9:21,970,997, plus strand): 5'-TTACTGCCTCTGGTGCCCCCCGCAGCCGCGCGCAGGTACCGTGCGACATCGCGATGGCCC[A>T]GCTCCTCAGCCAGGTCCACGGGCAGACGGCCCCAGGCATCGCGCACGTCCAGCCGCGCCC-3'
Protein context (NP_000068.1, residues 111-131): GRLPVDLAEE[Leu121Gln]GHRDVARYLR